The following is an entry in ClinVar:

ClinVar aggregate classification (germline): Uncertain significance (1 of 4 stars; one submission).

gnomAD v4.1: 2 of 1,609,144 alleles (0.00012%); highest among the groups gnomAD compares: Non-Finnish European, 0.00017%; no homozygotes.

Submission:

GeneDx
Classification: Uncertain significance. Last evaluated: 2024-12-03. Review status: criteria provided, single submitter. Criteria: GeneDx Variant Classification Process June 2021. Collection method: clinical testing. Allele origin: germline. Affected: yes.
Comment: Not observed at significant frequency in large population cohorts (gnomAD); In silico analysis indicates that this missense variant does not alter protein structure/function; Has not been previously published as pathogenic or benign to our knowledge

NM_003060.4(SLC22A5):c.178A>G (p.Ser60Gly)

Gene: SLC22A5 (solute carrier family 22 member 5; plus strand). Cytogenetic location: 5q31.1.
Variant type: single nucleotide variant.
Coding change: c.178A>G on transcript NM_003060.4 (MANE Select); coding-DNA position 178, A replaced by G.
Protein change: p.Ser60Gly; replaces serine 60 with glycine.
Molecular consequence: missense variant.
Genome position (GRCh38, 1-based): chr5:132,370,150, A>G. VCF-style: chr5-132370150-A-G. GRCh37 (hg19) VCF-style: chr5-131705842-A-G.
Other names: c.178A>G, p.Ser60Gly (NM_001308122.2); short protein forms S60G.
Identifiers: ClinVar variation 3901648 (VCV003901648.1).